The following is an entry in ClinVar:

NM_022124.6(CDH23):c.7615G>A (p.Gly2539Ser)

Gene: CDH23 (cadherin related 23; plus strand). Cytogenetic location: 10q22.1.
Variant type: single nucleotide variant.
Coding change: c.7615G>A on transcript NM_022124.6 (MANE Select); coding-DNA position 7615, G replaced by A.
Protein change: p.Gly2539Ser; replaces glycine 2539 with serine.
Molecular consequence: missense variant.
Genome position (GRCh38, 1-based): chr10:71,803,030, G>A. VCF-style: chr10-71803030-G-A. GRCh37 (hg19) VCF-style: chr10-73562787-G-A.
Other names: c.895G>A, p.Gly299Ser (NM_001171933.1, NM_001171934.1); short protein forms G2539S, G299S.
Identifiers: ClinVar variation 1906700 (VCV001906700.2), dbSNP rs373649718, ClinGen allele CA377160854.

ClinVar aggregate classification (germline): Uncertain significance (1 of 4 stars; one submission).

gnomAD v4.1: 1 of 1,613,832 alleles (0.000062%); highest among the groups gnomAD compares: African/African-American, 0.0013%; no homozygotes.

Submission:

Labcorp Genetics (formerly Invitae), Labcorp
Classification: Uncertain significance. Last evaluated: 2022-02-03. Review status: criteria provided, single submitter. Criteria: Invitae Variant Classification Sherloc (09022015). Collection method: clinical testing. Allele origin: germline.
Comment: This sequence change replaces glycine, which is neutral and non-polar, with serine, which is neutral and polar, at codon 2539 of the CDH23 protein (p.Gly2539Ser). This variant is present in population databases (no rsID available, gnomAD 0.01%). This variant has not been reported in the literature in individuals affected with CDH23-related conditions. Algorithms developed to predict the effect of missense changes on protein structure and function are either unavailable or do not agree on the potential impact of this missense change (SIFT: "Deleterious"; PolyPhen-2: "Not Available"; Align-GVGD: "Class C0"). In summary, the available evidence is currently insufficient to determine the role of this variant in disease. Therefore, it has been classified as a Variant of Uncertain Significance.